The following is an entry in ClinVar:

ClinVar aggregate classification (germline): Uncertain significance (1 of 4 stars; one submission).

Conditions:
Tatton-Brown-Rahman overgrowth syndrome. Also called: Tall stature-intellectual disability-facial dysmorphism syndrome; Tatton-Brown-Rahman syndrome. Identifiers: Orphanet 404443, MedGen C4014545, MONDO:0014382, OMIM 615879.

Submission:

Labcorp Genetics (formerly Invitae), Labcorp
Classification: Uncertain significance for Tatton-Brown-Rahman overgrowth syndrome. Last evaluated: 2024-01-25. Review status: criteria provided, single submitter. Criteria: Invitae Variant Classification Sherloc (09022015). Collection method: clinical testing. Allele origin: germline.
Comment: This sequence change replaces glutamic acid, which is acidic and polar, with aspartic acid, which is acidic and polar, at codon 40 of the DNMT3A protein (p.Glu40Asp). This variant is not present in population databases (gnomAD no frequency). This variant has not been reported in the literature in individuals affected with DNMT3A-related conditions. Algorithms developed to predict the effect of missense changes on protein structure and function output the following: SIFT: "Not Available"; PolyPhen-2: "Benign"; Align-GVGD: "Not Available". The aspartic acid amino acid residue is found in multiple mammalian species, which suggests that this missense change does not adversely affect protein function. In summary, the available evidence is currently insufficient to determine the role of this variant in disease. Therefore, it has been classified as a Variant of Uncertain Significance.

NM_022552.5(DNMT3A):c.120G>T (p.Glu40Asp)

Gene: DNMT3A (DNA methyltransferase 3 alpha; minus strand). Cytogenetic location: 2p23.3.
Variant type: single nucleotide variant.
Coding change: c.120G>T on transcript NM_022552.5 (MANE Select); coding-DNA position 120, G replaced by T.
Protein change: p.Glu40Asp; replaces glutamic acid 40 with aspartic acid.
Molecular consequence: missense variant. On other transcripts: non-coding transcript variant (1).
Genome position (GRCh38, 1-based): chr2:25,300,196, C>A on the plus strand (G>T on the coding strand, the complement: DNMT3A is on the minus strand). VCF-style: chr2-25300196-C-A. GRCh37 (hg19) VCF-style: chr2-25523065-C-A.
Other names: c.120G>T, p.Glu40Asp (NM_001320892.2, NM_175629.2, NM_175630.1); short protein forms E40D.
Identifiers: ClinVar variation 2711344 (VCV002711344.3), dbSNP rs202118149, ClinGen allele CA346251691.